The following is an entry in ClinVar:

ClinVar aggregate classification (germline): Uncertain significance. Review status: criteria provided, multiple submitters, no conflicts (2 of 4 stars). 2 submissions from 2 submitters: Uncertain significance (2). Last evaluated 2025-03-13.

Conditions:
Brain small vessel disease 1 with or without ocular anomalies (BSVD1). Also called: BRAIN SMALL VESSEL DISEASE WITH HEMORRHAGE; Brain small vessel disease with or without ocular anomalies; GOULD SYNDROME 1; PORENCEPHALY, TYPE 1, AUTOSOMAL DOMINANT. Identifiers: Orphanet 2940, Orphanet 36383, Orphanet 99810, MedGen C4755307, MONDO:0008289, OMIM 175780.
Hemorrhage, intracerebral, susceptibility to (ICH). Also called: Stroke, hemorrhagic, susceptibility to. Identifiers: MedGen C3281105, MONDO:0100533, OMIM 614519.
Retinal arterial tortuosity. Also called: RETINAL HEMORRHAGE WITH VASCULAR TORTUOSITY; Retinal arteries, tortuosity of. Identifiers: Orphanet 75326, MedGen C0423401, MONDO:0008373, OMIM 180000, HP:0000631.
Autosomal dominant familial hematuria-retinal arteriolar tortuosity-contractures syndrome. Also called: Angiopathy, hereditary, with nephropathy, aneurysms, and muscle cramps; Hereditary Angiopathy with Nephropathy, Aneurysms, and Muscle Cramps (HANAC) Syndrome. Identifiers: Orphanet 73229, MedGen C2673195, MONDO:0012726, OMIM 611773.
Microangiopathy and leukoencephalopathy, pontine, autosomal dominant. Also called: DEMENTIA, HEREDITARY MULTI-INFARCT, SWEDISH TYPE; Pontine autosomal dominant microangiopathy with leukoencephalopathy. Identifiers: Orphanet 477749, MedGen C5231411, MONDO:0032814, OMIM 618564.

gnomAD v4.1: 3 of 1,614,224 alleles (0.00019%); highest among the groups gnomAD compares: Non-Finnish European, 0.00025%; no homozygotes.

Submissions (2):

Labcorp Genetics (formerly Invitae), Labcorp
Classification: Uncertain significance. Last evaluated: 2025-03-13. Review status: criteria provided, single submitter. Criteria: Invitae Variant Classification Sherloc (09022015). Collection method: clinical testing. Allele origin: germline.
Comment: This sequence change replaces glutamine, which is neutral and polar, with leucine, which is neutral and non-polar, at codon 1459 of the COL4A1 protein (p.Gln1459Leu). This variant is not present in population databases (gnomAD no frequency). This variant has not been reported in the literature in individuals affected with COL4A1-related conditions. ClinVar contains an entry for this variant (Variation ID: 3575675). Invitae Evidence Modeling of protein sequence and biophysical properties (such as structural, functional, and spatial information, amino acid conservation, physicochemical variation, residue mobility, and thermodynamic stability) indicates that this missense variant is not expected to disrupt COL4A1 protein function with a negative predictive value of 95%. In summary, the available evidence is currently insufficient to determine the role of this variant in disease. Therefore, it has been classified as a Variant of Uncertain Significance.

Fulgent Genetics
Classification: Uncertain significance for Brain small vessel disease 1 with or without ocular anomalies; Retinal arterial tortuosity; Autosomal dominant familial hematuria-retinal arteriolar tortuosity-contractures syndrome; Hemorrhage, intracerebral, susceptibility to; Microangiopathy and leukoencephalopathy, pontine, autosomal dominant. Last evaluated: 2024-02-12. Review status: criteria provided, single submitter. Criteria: ACMG Guidelines, 2015. Collection method: clinical testing. Allele origin: germline.

NM_001845.6(COL4A1):c.4376A>T (p.Gln1459Leu)

Gene: COL4A1 (collagen type IV alpha 1 chain; minus strand). Cytogenetic location: 13q34.
Variant type: single nucleotide variant.
Coding change: c.4376A>T on transcript NM_001845.6 (MANE Select); coding-DNA position 4376, A replaced by T.
Protein change: p.Gln1459Leu; replaces glutamine 1459 with leucine.
Molecular consequence: missense variant.
Genome position (GRCh38, 1-based): chr13:110,162,316, T>A on the plus strand (A>T on the coding strand, the complement: COL4A1 is on the minus strand). VCF-style: chr13-110162316-T-A. GRCh37 (hg19) VCF-style: chr13-110814663-T-A.
Other names: short protein forms Q1459L.
Identifiers: ClinVar variation 3575675 (VCV003575675.2).